The following is an entry in ClinVar:

ClinVar aggregate classification (germline): Uncertain significance (1 of 4 stars; one submission).

Conditions:
Hereditary cancer-predisposing syndrome. Also called: Hereditary Cancer Syndrome; Tumor predisposition; Hereditary neoplastic syndrome; Neoplastic Syndromes, Hereditary. Identifiers: Orphanet 140162, MedGen C0027672, MeSH D009386, MONDO:0015356.

gnomAD v4.1: 1 of 1,613,648 alleles (0.000062%); highest among the groups gnomAD compares: Non-Finnish European, 0.000085%; no homozygotes.

Submission:

Ambry Genetics
Classification: Uncertain significance for Hereditary cancer-predisposing syndrome. Last evaluated: 2024-11-22. Review status: criteria provided, single submitter. Criteria: Ambry Variant Classification Scheme 2023. Collection method: clinical testing. Allele origin: germline.
Comment: The p.S613A variant (also known as c.1837T>G), located in coding exon 15 of the MRE11A gene, results from a T to G substitution at nucleotide position 1837. The serine at codon 613 is replaced by alanine, an amino acid with similar properties. This amino acid position is conserved. In addition, this alteration is predicted to be tolerated by in silico analysis. Based on the available evidence, the clinical significance of this variant remains unclear.

NM_005591.4(MRE11):c.1837T>G (p.Ser613Ala)

Gene: MRE11 (MRE11 double strand break repair nuclease; minus strand). Cytogenetic location: 11q21.
Variant type: single nucleotide variant.
Coding change: c.1837T>G on transcript NM_005591.4 (MANE Select); coding-DNA position 1837, T replaced by G.
Protein change: p.Ser613Ala; replaces serine 613 with alanine.
Molecular consequence: missense variant. On other transcripts: intron variant (1).
Genome position (GRCh38, 1-based): chr11:94,445,840, A>C on the plus strand (T>G on the coding strand, the complement: MRE11 is on the minus strand). VCF-style: chr11-94445840-A-C. GRCh37 (hg19) VCF-style: chr11-94179006-A-C.
Other names: c.1834T>G, p.Ser612Ala (NM_001330347.2); c.1783+1379T>G (NM_005590.4); short protein forms S612A, S613A.
Identifiers: ClinVar variation 3397891 (VCV003397891.1).